The following is an entry in ClinVar:

ClinVar aggregate classification (germline): Benign. Review status: criteria provided, multiple submitters, no conflicts (2 of 4 stars). 2 submissions from 2 submitters: Benign (2). Last evaluated 2018-06-15.

Allele frequency attached by ClinVar (database versions not stated): 1000 Genomes Project 30x 0.15381; 1000 Genomes Project 0.15855; TOPMed 0.16356; gnomAD 0.17542 and 0.17845; gnomAD exomes 0.22260.
gnomAD v4.1: 252,738 of 1,164,884 alleles (22%); highest among the groups gnomAD compares: Middle Eastern, 28%; 30,116 homozygotes.

Submissions (2):

GeneDx
Classification: Benign. Last evaluated: 2018-06-15. Review status: criteria provided, single submitter. Criteria: GeneDx Variant Classification (06012015). Collection method: clinical testing. Allele origin: germline. Affected: yes.
Comment: This variant is considered likely benign or benign based on one or more of the following criteria: it is a conservative change, it occurs at a poorly conserved position in the protein, it is predicted to be benign by multiple in silico algorithms, and/or has population frequency not consistent with disease.

Breakthrough Genomics
Classification: Benign. Review status: criteria provided, single submitter. Criteria: ACMG Guidelines, 2015. Collection method: not provided. Allele origin: germline. Inheritance: Unknown mechanism. Affected: yes.

NM_002755.4(MAP2K1):c.569-118G>A

Gene: MAP2K1 (mitogen-activated protein kinase kinase 1; plus strand). Cytogenetic location: 15q22.31.
Variant type: single nucleotide variant.
Coding change: c.569-118G>A on transcript NM_002755.4 (MANE Select); 118 bases into the intron before coding-DNA position 569, G replaced by A.
Molecular consequence: intron variant.
Genome position (GRCh38, 1-based): chr15:66,481,637, G>A. VCF-style: chr15-66481637-G-A. GRCh37 (hg19) VCF-style: chr15-66773975-G-A.
Identifiers: ClinVar variation 561384 (VCV000561384.2), dbSNP rs41277720, ClinGen allele CA14084325.